The following is an entry in ClinVar:

NM_003590.5(CUL3):c.2299G>C (p.Val767Leu)

Gene: CUL3 (cullin 3; minus strand). Cytogenetic location: 2q36.2.
Variant type: single nucleotide variant.
Coding change: c.2299G>C on transcript NM_003590.5 (MANE Select); coding-DNA position 2299, G replaced by C.
Protein change: p.Val767Leu; replaces valine 767 with leucine.
Molecular consequence: missense variant.
Genome position (GRCh38, 1-based): chr2:224,474,253, C>G on the plus strand (G>C on the coding strand, the complement: CUL3 is on the minus strand). VCF-style: chr2-224474253-C-G. GRCh37 (hg19) VCF-style: chr2-225338970-C-G.
Other names: c.2101G>C, p.Val701Leu (NM_001257197.2); c.2317G>C, p.Val773Leu (NM_001257198.2); short protein forms V701L, V767L, V773L.
Identifiers: ClinVar variation 4532566 (VCV004532566.1).

ClinVar aggregate classification (germline): Uncertain significance (1 of 4 stars; one submission).

Submission:

GeneDx
Classification: Uncertain significance. Last evaluated: 2025-05-23. Review status: criteria provided, single submitter. Criteria: GeneDx Variant Classification Process June 2021. Collection method: clinical testing. Allele origin: germline. Affected: yes.
Comment: Not observed at significant frequency in large population cohorts (gnomAD); In silico analysis suggests that this missense variant does not alter protein structure/function; Has not been previously published as pathogenic or benign to our knowledge